The following is an entry in ClinVar:

NM_000059.4(BRCA2):c.4471C>T (p.Leu1491=)

Gene: BRCA2 (BRCA2 DNA repair associated; plus strand). Cytogenetic location: 13q13.1.
Variant type: single nucleotide variant.
Coding change: c.4471C>T on transcript NM_000059.4 (MANE Select); coding-DNA position 4471, C replaced by T.
Protein change: p.Leu1491=; no amino-acid change (leucine 1491 retained).
Molecular consequence: synonymous variant.
Genome position (GRCh38, 1-based): chr13:32,338,826, C>T. VCF-style: chr13-32338826-C-T. GRCh37 (hg19) VCF-style: chr13-32912963-C-T.
Identifiers: ClinVar variation 427540 (VCV000427540.22), dbSNP rs748982373, ClinGen allele CA6940781.

ClinVar aggregate classification (germline): Likely benign. Review status: reviewed by expert panel (3 of 4 stars). 6 submissions from 6 submitters: Likely benign (1). 5 of the submissions do not count toward it. Last evaluated 2017-06-29.

Conditions:
Breast-ovarian cancer, familial, susceptibility to, 2 (BROVCA2). Also called: BRCA2 Hereditary Breast and Ovarian Cancer. Identifiers: Orphanet 145, MedGen C2675520, MONDO:0012933, OMIM 612555. Disease mechanism: loss of function.
Hereditary cancer-predisposing syndrome. Also called: Hereditary neoplastic syndrome; Tumor predisposition; Neoplastic Syndromes, Hereditary; Hereditary Cancer Syndrome. Identifiers: Orphanet 140162, MedGen C0027672, MeSH D009386, MONDO:0015356.
Hereditary breast ovarian cancer syndrome. Also called: BRCA1- and BRCA2-Associated Hereditary Breast and Ovarian Cancer; Hereditary breast and/or ovarian cancer syndrome; Hereditary breast and ovarian cancer; Hereditary breast and ovarian cancer syndrome; Hereditary breast and ovarian cancer syndrome (HBOC); Breast and ovarian cancer. Identifiers: Orphanet 145, MedGen C0677776, MeSH D061325, MONDO:0003582. Disease mechanism: loss of function.
Breast and/or ovarian cancer. Identifiers: MedGen CN221562.

Allele frequency attached by ClinVar (database versions not stated): gnomAD exomes below 0.00001; ExAC 0.00001.
gnomAD v4.1: 8 of 1,613,718 alleles (0.0005%); highest among the groups gnomAD compares: Non-Finnish European, 0.00051%; no homozygotes.

Submissions (6):

Evidence-based Network for the Interpretation of Germline Mutant Alleles (ENIGMA)
Classification: Likely benign for Breast-ovarian cancer, familial, susceptibility to, 2. Last evaluated: 2017-06-29. Review status: reviewed by expert panel. Criteria: ENIGMA BRCA1/2 Classification Criteria (2017-06-29). Collection method: curation. Allele origin: germline.
Comment: Synonymous substitution variant, with low bioinformatic likelihood to result in a splicing aberration (Splicing prior probability 0.02).

Labcorp Genetics (formerly Invitae), Labcorp
Classification: Likely benign for Hereditary breast ovarian cancer syndrome. Last evaluated: 2025-07-31. Review status: criteria provided, single submitter. Criteria: Invitae Variant Classification Sherloc (09022015). Collection method: clinical testing. Allele origin: germline. Not counted in ClinVar's aggregate classification.

Quest Diagnostics Nichols Institute San Juan Capistrano
Classification: Likely benign. Last evaluated: 2023-08-03. Review status: criteria provided, single submitter. Criteria: Quest Diagnostics criteria. Collection method: clinical testing. Allele origin: unknown. Not counted in ClinVar's aggregate classification.

CHEO Genetics Diagnostic Laboratory, Children's Hospital of Eastern Ontario
Classification: Likely benign for Breast and/or ovarian cancer. Last evaluated: 2022-03-15. Review status: criteria provided, single submitter. Criteria: ACMG Guidelines, 2015. Collection method: clinical testing. Allele origin: germline. Not counted in ClinVar's aggregate classification.

Color Diagnostics, LLC DBA Color Health
Classification: Likely benign for Hereditary cancer-predisposing syndrome. Last evaluated: 2017-01-09. Review status: criteria provided, single submitter. Criteria: ACMG Guidelines, 2015. Collection method: clinical testing. Allele origin: germline. Not counted in ClinVar's aggregate classification.

Ambry Genetics
Classification: Likely benign for Hereditary cancer-predisposing syndrome. Last evaluated: 2015-10-16. Review status: criteria provided, single submitter. Criteria: Ambry Variant Classification Scheme 2023. Collection method: clinical testing. Allele origin: germline. Not counted in ClinVar's aggregate classification.